The following is an entry in ClinVar:

ClinVar aggregate classification (germline): Uncertain significance (1 of 4 stars; one submission).

Submission:

Labcorp Genetics (formerly Invitae), Labcorp
Classification: Uncertain significance. Last evaluated: 2021-11-10. Review status: criteria provided, single submitter. Criteria: Invitae Variant Classification Sherloc (09022015). Collection method: clinical testing. Allele origin: germline.
Comment: In summary, the available evidence is currently insufficient to determine the role of this variant in disease. Therefore, it has been classified as a Variant of Uncertain Significance. Algorithms developed to predict the effect of missense changes on protein structure and function output the following: SIFT: "Tolerated"; PolyPhen-2: "Benign"; Align-GVGD: "Class C0". The asparagine amino acid residue is found in multiple mammalian species, which suggests that this missense change does not adversely affect protein function. This variant has not been reported in the literature in individuals affected with REST-related conditions. This variant is not present in population databases (gnomAD no frequency). This sequence change replaces serine, which is neutral and polar, with asparagine, which is neutral and polar, at codon 856 of the REST protein (p.Ser856Asn).

NM_005612.5(REST):c.2567G>A (p.Ser856Asn)

Gene: REST (RE1 silencing transcription factor; plus strand). Cytogenetic location: 4q12.
Variant type: single nucleotide variant.
Coding change: c.2567G>A on transcript NM_005612.5 (MANE Select); coding-DNA position 2567, G replaced by A.
Protein change: p.Ser856Asn; replaces serine 856 with asparagine.
Molecular consequence: missense variant.
Genome position (GRCh38, 1-based): chr4:56,931,425, G>A. VCF-style: chr4-56931425-G-A. GRCh37 (hg19) VCF-style: chr4-57797591-G-A.
Other names: c.2567G>A, p.Ser856Asn (NM_001193508.2, NM_001363453.3); short protein forms S856N.
Identifiers: ClinVar variation 1350690 (VCV001350690.6), dbSNP rs2109577876, ClinGen allele CA357009064.